The following is an entry in ClinVar:

NM_130384.3(ATRIP):c.2162G>A (p.Arg721Gln)

Genes: ATRIP (ATR interacting protein; plus strand), ATRIP-TREX1 (ATRIP-TREX1 readthrough; plus strand). Cytogenetic location: 3p21.31.
Variant type: single nucleotide variant.
Coding change: c.2162G>A on transcript NM_130384.3 (MANE Select); coding-DNA position 2162, G replaced by A.
Protein change: p.Arg721Gln; replaces arginine 721 with glutamine.
Molecular consequence: missense variant. On other transcripts: non-coding transcript variant (1).
Genome position (GRCh38, 1-based): chr3:48,464,937, G>A. VCF-style: chr3-48464937-G-A. GRCh37 (hg19) VCF-style: chr3-48506336-G-A.
Other names: c.1781G>A, p.Arg594Gln (NM_001271022.2); c.1883G>A, p.Arg628Gln (NM_001271023.2); c.2081G>A, p.Arg694Gln (NM_032166.4); short protein forms R721Q, R594Q, R628Q, R694Q.
Identifiers: ClinVar variation 4181739 (VCV004181739.1).
Genomic context (GRCh38, chr3:48,464,937, plus strand): 5'-TGCGGAGGGCAGGGGGACCCCCAAGGACCGACCAGCAGAGGCGGACAGTGCGCTGTCTGC[G>A]GGACACGGTGCTGCTGCTGCACGGCCTATCGCAGAAGGACAAGCTCTTCATGATGCACTG-3'
Protein context (NP_569055.1, residues 711-731): DQQRRTVRCL[Arg721Gln]DTVLLLHGLS

ClinVar aggregate classification (germline): Uncertain significance (1 of 4 stars; one submission).

gnomAD v4.1: 6 of 1,614,180 alleles (0.00037%); highest among the groups gnomAD compares: African/African-American, 0.0013%; no homozygotes.

Submission:

Ambry Genetics
Classification: Uncertain significance. Last evaluated: 2025-06-16. Review status: criteria provided, single submitter. Criteria: Ambry Variant Classification Scheme 2023. Collection method: clinical testing. Allele origin: germline.
Comment: The p.R721Q variant (also known as c.2162G>A), located in coding exon 12 of the ATRIP gene, results from a G to A substitution at nucleotide position 2162. The arginine at codon 721 is replaced by glutamine, an amino acid with highly similar properties. This amino acid position is highly conserved in available vertebrate species. In addition, the in silico prediction for this alteration is inconclusive. The evidence for this gene-disease relationship is limited; therefore, the clinical significance of this alteration is unclear.